The following is an entry in ClinVar:

ClinVar aggregate classification (germline): Pathogenic. Review status: reviewed by expert panel (3 of 4 stars). 3 submissions from 3 submitters: Pathogenic (1). 2 of the submissions do not count toward it. Last evaluated 2023-12-18.

Conditions:
Monogenic diabetes. Identifiers: Orphanet 183625, MedGen C3888631, MONDO:0015967.
Maturity-onset diabetes of the young type 3. Also called: MODY type 3; MODY, type III. Identifiers: Orphanet 552, MedGen C1838100, MeSH C563933, MONDO:0010894, OMIM 600496. Disease mechanism: loss of function.
HNF1A-related disorder. Also called: HNF1A-related condition.

Allele frequency attached by ClinVar (database versions not stated): gnomAD exomes below 0.00001.

Submissions (3):

ClinGen Monogenic Diabetes Variant Curation Expert Panel
Classification: Pathogenic for Monogenic diabetes. Last evaluated: 2023-12-18. Review status: reviewed by expert panel. Criteria: ClinGen Diabetes ACMG Specifications HNF1A V2.1.0. Collection method: curation. Allele origin: germline. Inheritance: Autosomal dominant inheritance.
Comment: The c.697G>C variant in the HNF1 homeobox A gene, HNF1A, causes an amino acid change of valine to leucine at codon 233 (p.(Val233Leu)) of NM_000545.8. This variant segregated with diabetes/hyperglycemia, with 6 informative meioses in one family with (PP1_Strong; PMID: 28993341) and the variant is predicted to be deleterious by computational evidence, with a REVEL score of 0.893, which is greater than the MDEP VCEP threshold of 0.70 (PP3). Additionally, this variant was identified in an individual with a clinical history highly specific for HNF1A-MODY (MODY probability calculator result >50%, negative genetic testing for HNF4A) (PP4; PMID 28993341). This variant is located within a conserved region of the DNA binding domain (codons 107-174 and 201-280) of HNF1A, which is defined as critical for the protein’s function by the ClinGen MDEP (PM1_Supporting) and is absent from gnomAD v2.1.1 (PM2_Supporting). Functional studies demonstrated the p.Val233Leu protein has transactivation below 40% of wildtype, indicating that this variant impacts protein function (PS3_Supporting; PMID: 15522234). Lastly, this variant was identified in 5 unrelated individuals with non- autoimmune and non-absolute/near-absolute insulin-deficient diabetes (PS4_Moderate; PMIDs: 12488961, 28993341, 24905847). In summary, c.697G>A meets the criteria to be classified as pathogenic for monogenic diabetes. ACMG/AMP criteria applied, as specified by the ClinGen MDEP (specification version 2.1.0, approved 8/11/2023): PP1_Strong, PS4_Moderate, PP3, PP4, PM1_Supporting, PM2_Supporting, PS3_Supporting.

Clinical Genomics Laboratory, Washington University in St. Louis
Classification: Pathogenic for Maturity-onset diabetes of the young type 3. Last evaluated: 2025-10-10. Review status: criteria provided, single submitter. Criteria: ACMG Guidelines, 2015. Collection method: clinical testing. Allele origin: germline. Affected: yes. Not counted in ClinVar's aggregate classification.
Comment: An HNF1A c.697G>C (p.Val233Leu) variant was identified in a heterozygous state. This variant has been reported in several individuals affected with diabetes (Tonooka N et al., et al., PMID: 12488961; Pezzilli S. et al, PMID:28993341; Horikawa Y et al., PMID:24905847). It has also been reported in the ClinVar database as pathogenic/likely pathogenic by two submitters, including an expert panel (ClinVar Variation ID: 2682654). The HNF1A c.697G>C (p.Val233Leu) variant is absent from the general population (gnomAD v2.1.1), indicating it is not a common variant. This variant resides within a region, DNA binding domain (amino acids 91-281), of HNF1A that is defined as a critical functional domain (Bellanné-Chantelot C et al., PMID: 18003757). Computational predictors indicate that the variant is damaging, evidence that correlates with impact to HNF1A function. In support of this prediction, functional studies show that the protein has transactivation below 40% of wildtype, indicating that this variant impacts protein function (Gu N et al., PMID: 15522234). Based on available information, the ACMG/AMP guidelines for variant interpretation and the ClinGen Monogenic Diabetes variant curation expert panel (Richards S et al., PMID: 25741868), this variant is classified as pathogenic.

PreventionGenetics, part of Exact Sciences
Classification: Likely pathogenic for HNF1A-related condition. Last evaluated: 2024-08-10. Review status: no assertion criteria provided. Collection method: clinical testing. Allele origin: germline. Not counted in ClinVar's aggregate classification.
Comment: The HNF1A c.697G>C variant is predicted to result in the amino acid substitution p.Val233Leu. This variant has been reported in individuals with maturity-onset diabetes of the young (MODY), and was demonstrated to co-segregate with disease in a large family (Tonooka et al. 2002. PubMed ID: 12488961; Pezzilli et al. 2017. PubMed ID: 28993341). A luciferase assay demonstrated that expression of this variant results in significantly reduced transactivation activity compared to wildtype (Gu et al. 2004. PubMed ID: 15522234). This variant has not been reported in a large population database, indicating this variant is rare. This variant has been interpreted as pathogenic by the ClinGen Monogenic Diabetes Variant Curation Expert Panel. This variant is interpreted as likely pathogenic.

NM_000545.8(HNF1A):c.697G>C (p.Val233Leu)

Gene: HNF1A (HNF1 homeobox A; plus strand). Cytogenetic location: 12q24.31.
Variant type: single nucleotide variant.
Coding change: c.697G>C on transcript NM_000545.8 (MANE Select); coding-DNA position 697, G replaced by C.
Protein change: p.Val233Leu; replaces valine 233 with leucine.
Molecular consequence: missense variant.
Genome position (GRCh38, 1-based): chr12:120,993,690, G>C. VCF-style: chr12-120993690-G-C. GRCh37 (hg19) VCF-style: chr12-121431493-G-C.
Other names: NM_001306179.2:c.697G>C; c.697G>C (NM_000545.6); c.697G>C, p.Val233Leu (NM_001306179.2, NM_001406915.1); short protein forms V233L.
Identifiers: ClinVar variation 2682654 (VCV002682654.3), dbSNP rs2135839897, ClinGen allele CA16621927.